The following is an entry in ClinVar:

NM_002253.4(KDR):c.708A>G (p.Leu236=)

Gene: KDR (kinase insert domain receptor; minus strand). Cytogenetic location: 4q12.
Variant type: single nucleotide variant.
Coding change: c.708A>G on transcript NM_002253.4 (MANE Select); coding-DNA position 708, A replaced by G.
Protein change: p.Leu236=; no amino-acid change (leucine 236 retained).
Molecular consequence: synonymous variant.
Genome position (GRCh38, 1-based): chr4:55,114,216, T>C on the plus strand (A>G on the coding strand, the complement: KDR is on the minus strand). VCF-style: chr4-55114216-T-C. GRCh37 (hg19) VCF-style: chr4-55980383-T-C.
Identifiers: ClinVar variation 4871958 (VCV004871958.2).

ClinVar aggregate classification (germline): Likely benign (1 of 4 stars; one submission).

gnomAD v4.1: 2,511 of 1,613,960 alleles (0.16%); highest among the groups gnomAD compares: Non-Finnish European, 0.15%; 5 homozygotes.

Submission:

CeGaT Center for Human Genetics Tuebingen
Classification: Likely benign. Last evaluated: 2026-06-01. Review status: criteria provided, single submitter. Criteria: CeGaT Center For Human Genetics Tuebingen Variant Classification Criteria Version 2. Collection method: clinical testing. Allele origin: germline. Affected: yes. Observed: 1 variant allele.
Comment: KDR: BP4, BP7